The following is an entry in ClinVar:

ClinVar aggregate classification (germline): Likely benign. Review status: criteria provided, single submitter (1 of 4 stars). 2 submissions from 2 submitters: Likely benign (1). 1 of the submissions does not count toward it. Last evaluated 2025-06-12.

Conditions:
Autosomal recessive nonsyndromic hearing loss 66 (DFNB66). Also called: Deafness, autosomal recessive 66. Identifiers: Orphanet 90636, MedGen C1857750, MONDO:0012442, OMIM 610212.
Isolated neonatal sclerosing cholangitis (NSC). Also called: Sclerosing cholangitis, neonatal. Identifiers: Orphanet 480556, MedGen C4479344, MONDO:0018816, OMIM 617394.
DCDC2-related disorder. Also called: DCDC2-related condition.

Allele frequency attached by ClinVar (database versions not stated): gnomAD 0.00003 and 0.00004; ExAC 0.00004; TOPMed 0.00008; ESP Exome Variant Server 0.00008; gnomAD exomes 0.00011 and 0.00005.
gnomAD v4.1: 34 of 1,614,062 alleles (0.0021%); highest among the groups gnomAD compares: Admixed American, 0.055%; no homozygotes.

Submissions (2):

Labcorp Genetics (formerly Invitae), Labcorp
Classification: Likely benign for Autosomal recessive nonsyndromic hearing loss 66; Isolated neonatal sclerosing cholangitis. Last evaluated: 2025-06-12. Review status: criteria provided, single submitter. Criteria: Invitae Variant Classification Sherloc (09022015). Collection method: clinical testing. Allele origin: germline.

PreventionGenetics, part of Exact Sciences
Classification: Likely benign for DCDC2-related condition. Last evaluated: 2022-02-04. Review status: no assertion criteria provided. Collection method: clinical testing. Allele origin: germline. Not counted in ClinVar's aggregate classification.
Comment: This variant is classified as likely benign based on ACMG/AMP sequence variant interpretation guidelines (Richards et al. 2015 PMID: 25741868, with internal and published modifications).

NM_016356.5(DCDC2):c.1203T>A (p.Pro401=)

Gene: DCDC2 (doublecortin domain containing 2; minus strand). Cytogenetic location: 6p22.3.
Variant type: single nucleotide variant.
Coding change: c.1203T>A on transcript NM_016356.5 (MANE Select); coding-DNA position 1203, T replaced by A.
Protein change: p.Pro401=; no amino-acid change (proline 401 retained).
Molecular consequence: synonymous variant.
Genome position (GRCh38, 1-based): chr6:24,178,453, A>T on the plus strand (T>A on the coding strand, the complement: DCDC2 is on the minus strand). VCF-style: chr6-24178453-A-T. GRCh37 (hg19) VCF-style: chr6-24178681-A-T.
Other names: c.1203T>A, p.Pro401= (NM_001195610.2); c.1203T>A (NM_016356.4).
Identifiers: ClinVar variation 1543612 (VCV001543612.10), dbSNP rs143452599, ClinGen allele CA3654491.
Genomic context (GRCh38, chr6:24,178,453, plus strand): 5'-ATTATTAACCTGCTGCAGCTCCTCACCATTCTCCTCATCGGTGCCTCCATTTACACGAGC[A>T]GGGCGTGCCTGCTGCTCACTGTGATCCAGAATCTCCTCGACTTGCTCAGGGGCATCTGTA-3'
Protein context (NP_057440.2, residues 391-411): ILDHSEQQAR[Pro401=]ARVNGGTDEE